The following is an entry in ClinVar:

ClinVar aggregate classification (germline): Uncertain significance (1 of 4 stars; one submission).

Conditions:
Polyglucosan body myopathy type 1 (PGBM1). Also called: Polyglucosan body myopathy 1 with or without immunodeficiency; POLYGLUCOSAN BODY MYOPATHY WITHOUT IMMUNODEFICIENCY. Identifiers: Orphanet 329173, Orphanet 397937, MedGen C4014605, MONDO:0014389, OMIM 615895.

Allele frequency attached by ClinVar (database versions not stated): gnomAD exomes 0.00001.
gnomAD v4.1: 7 of 1,603,420 alleles (0.00044%); highest among the groups gnomAD compares: Admixed American, 0.0017%; no homozygotes.

Submission:

Labcorp Genetics (formerly Invitae), Labcorp
Classification: Uncertain significance for Polyglucosan body myopathy type 1. Last evaluated: 2022-03-14. Review status: criteria provided, single submitter. Criteria: Invitae Variant Classification Sherloc (09022015). Collection method: clinical testing. Allele origin: germline.
Comment: In summary, the available evidence is currently insufficient to determine the role of this variant in disease. Therefore, it has been classified as a Variant of Uncertain Significance. Algorithms developed to predict the effect of sequence changes on RNA splicing suggest that this variant may create or strengthen a splice site. This variant has not been reported in the literature in individuals affected with RBCK1-related conditions. The frequency data for this variant in the population databases is considered unreliable, as metrics indicate poor data quality at this position in the gnomAD database. This sequence change falls in intron 10 of the RBCK1 gene. It does not directly change the encoded amino acid sequence of the RBCK1 protein.

NM_031229.4(RBCK1):c.1309-9C>T

Gene: RBCK1 (RANBP2-type and C3HC4-type zinc finger containing 1; plus strand). Cytogenetic location: 20p13.
Variant type: single nucleotide variant.
Coding change: c.1309-9C>T on transcript NM_031229.4 (MANE Select); 9 bases into the intron before coding-DNA position 1309, C replaced by T.
Molecular consequence: intron variant.
Genome position (GRCh38, 1-based): chr20:428,942, C>T. VCF-style: chr20-428942-C-T. GRCh37 (hg19) VCF-style: chr20-409586-C-T.
Other names: c.799-9C>T (NM_001323956.2, NM_001323958.2); c.1183-9C>T (NM_006462.6).
Identifiers: ClinVar variation 2084146 (VCV002084146.2), dbSNP rs1226322782, ClinGen allele CA634069510.